The following is an entry in ClinVar:

NM_002055.5(GFAP):c.599T>C (p.Leu200Ser)

Gene: GFAP (glial fibrillary acidic protein; minus strand). Cytogenetic location: 17q21.31.
Variant type: single nucleotide variant.
Coding change: c.599T>C on transcript NM_002055.5 (MANE Select); coding-DNA position 599, T replaced by C.
Protein change: p.Leu200Ser; replaces leucine 200 with serine.
Molecular consequence: missense variant.
Genome position (GRCh38, 1-based): chr17:44,913,747, A>G on the plus strand (T>C on the coding strand, the complement: GFAP is on the minus strand). VCF-style: chr17-44913747-A-G. GRCh37 (hg19) VCF-style: chr17-42991115-A-G.
Other names: c.599T>C, p.Leu200Ser (NM_001131019.3, NM_001242376.3, NM_001363846.2); short protein forms L200S.
Identifiers: ClinVar variation 2303335 (VCV002303335.15), dbSNP rs749666056, ClinGen allele CA8608956.
Genomic context (GRCh38, chr17:44,913,747, plus strand): 5'-AATCTCTGTGTTGAGCTTTCCTCCCTCTGCCCTGGCCTCACCTCCTCGTGGATCTTCCTC[A>G]AGAACCGGATCTCCTCCTCCAGCGACTCAATCTTCCTCTCCAGATCCAGACGGGCCAGGG-3'
Protein context (NP_002046.1, residues 190-210): IESLEEEIRF[Leu200Ser]RKIHEEEVRE

ClinVar aggregate classification (germline): Uncertain significance. Review status: criteria provided, multiple submitters, no conflicts (2 of 4 stars). 3 submissions from 3 submitters: Uncertain significance (3). Last evaluated 2025-07-14.

Conditions:
Inborn genetic diseases. Identifiers: MedGen C0950123, MeSH D030342.

Allele frequency attached by ClinVar (database versions not stated): TOPMed below 0.00001; gnomAD exomes 0.00001; ExAC 0.00002.
gnomAD v4.1: 17 of 1,613,722 alleles (0.0011%); highest among the groups gnomAD compares: Admixed American, 0.0067%; no homozygotes.

Submissions (3):

Labcorp Genetics (formerly Invitae), Labcorp
Classification: Uncertain significance. Last evaluated: 2025-07-14. Review status: criteria provided, single submitter. Criteria: Invitae Variant Classification Sherloc (09022015). Collection method: clinical testing. Allele origin: germline.
Comment: This sequence change replaces leucine, which is neutral and non-polar, with serine, which is neutral and polar, at codon 200 of the GFAP protein (p.Leu200Ser). This variant is present in population databases (rs749666056, gnomAD 0.006%). This variant has not been reported in the literature in individuals affected with GFAP-related conditions. ClinVar contains an entry for this variant (Variation ID: 2303335). Invitae Evidence Modeling of protein sequence and biophysical properties (such as structural, functional, and spatial information, amino acid conservation, physicochemical variation, residue mobility, and thermodynamic stability) has been performed for this missense variant. However, the output from this modeling did not meet the statistical confidence thresholds required to predict the impact of this variant on GFAP protein function. In summary, the available evidence is currently insufficient to determine the role of this variant in disease. Therefore, it has been classified as a Variant of Uncertain Significance.

CeGaT Center for Human Genetics Tuebingen
Classification: Uncertain significance. Last evaluated: 2025-05-01. Review status: criteria provided, single submitter. Criteria: CeGaT Center For Human Genetics Tuebingen Variant Classification Criteria Version 2. Collection method: clinical testing. Allele origin: germline. Affected: yes. Observed: 1 variant allele.

Ambry Genetics
Classification: Uncertain significance for Inborn genetic diseases. Last evaluated: 2022-07-26. Review status: criteria provided, single submitter. Criteria: Ambry Variant Classification Scheme 2023. Collection method: clinical testing. Allele origin: germline.